The following is an entry in ClinVar:

ClinVar aggregate classification (germline): Uncertain significance (1 of 4 stars; one submission).

Conditions:
Familial cancer of breast. Also called: BREAST CANCER, FAMILIAL; hereditary breast carcinoma; Hereditary breast cancer. Identifiers: Orphanet 227535, MedGen C0346153, MONDO:0016419, OMIM 114480. Disease mechanism: loss of function.

Submission:

Labcorp Genetics (formerly Invitae), Labcorp
Classification: Uncertain significance for Familial cancer of breast. Last evaluated: 2022-05-20. Review status: criteria provided, single submitter. Criteria: Invitae Variant Classification Sherloc (09022015). Collection method: clinical testing. Allele origin: germline.
Comment: In summary, the available evidence is currently insufficient to determine the role of this variant in disease. Therefore, it has been classified as a Variant of Uncertain Significance. Algorithms developed to predict the effect of missense changes on protein structure and function (SIFT, PolyPhen-2, Align-GVGD) all suggest that this variant is likely to be tolerated. This variant has not been reported in the literature in individuals affected with CHEK2-related conditions. This variant is not present in population databases (gnomAD no frequency). This sequence change replaces proline, which is neutral and non-polar, with threonine, which is neutral and polar, at codon 85 of the CHEK2 protein (p.Pro85Thr).

NM_007194.4(CHEK2):c.253C>A (p.Pro85Thr)

Gene: CHEK2 (checkpoint kinase 2; minus strand). Cytogenetic location: 22q12.1.
Variant type: single nucleotide variant.
Coding change: c.253C>A on transcript NM_007194.4 (MANE Select); coding-DNA position 253, C replaced by A.
Protein change: p.Pro85Thr; replaces proline 85 with threonine.
Molecular consequence: missense variant.
Genome position (GRCh38, 1-based): chr22:28,734,469, G>T on the plus strand (C>A on the coding strand, the complement: CHEK2 is on the minus strand). VCF-style: chr22-28734469-G-T. GRCh37 (hg19) VCF-style: chr22-29130457-G-T.
Other names: c.253C>A, p.Pro85Thr (NM_001005735.3, NM_001349956.3, NM_145862.3); c.-525C>A (NM_001257387.3); short protein forms P85T.
Identifiers: ClinVar variation 1525904 (VCV001525904.9), dbSNP rs1366081066, ClinGen allele CA411090553.